The following is an entry in ClinVar:

ClinVar aggregate classification (germline): Pathogenic. Review status: criteria provided, multiple submitters, no conflicts (2 of 4 stars). 5 submissions from 5 submitters: Pathogenic (5). Last evaluated 2026-07-01.

Conditions:
Glycogen storage disease, type II (IOPD). Also called: Glycogen storage disease type 2; Acid maltase deficiency disease; Aglucosidase alfa; Deficiency of alpha-glucosidase; Deficiency of lysosomal alpha-glucosidase; POMPE DISEASE, INFANTILE-ONSET. Identifiers: Orphanet 365, MedGen C0017921, MONDO:0009290, OMIM 232300.

Submissions (5):

Genomenon, Inc
Classification: Pathogenic for Glycogen storage disease, type II. Last evaluated: 2026-07-01. Review status: criteria provided, single submitter. Criteria: Genomenon Sequence Variant Interpretation Standards - Updated. Collection method: curation. Allele origin: germline. Affected: yes.
Comment: GAA p.Ser254ArgfsTer14 (c.759del) is a frameshift variant that is predicted to introduce a premature termination codon and result in a truncated or absent protein product. This variant has been observed in at least one proband with a GAA-related disorder (PMID:33202836). It is absent or not present at a significant frequency in gnomAD. In conclusion, we classify GAA p.Ser254ArgfsTer14 (c.759del) as a pathogenic variant.

Natera, Inc.
Classification: Pathogenic for Glycogen storage disease type II. Last evaluated: 2025-12-12. Review status: criteria provided, single submitter. Criteria: Natera Variant Classification Schema (03/2026). Collection method: clinical testing. Allele origin: germline.
Comment: The c.759delC variant in GAA is a frameshift variant predicted to shift the reading frame beginning at codon 254 and leads to a stop codon 14 codons downstream. This variant is expected to result in nonsense mediated decay, truncation, or a dysfunctional protein product. This variant is rare in the general population with a frequency below the threshold expected for the associated phenotype(s). This variant has been observed in one or more individuals affected with the associated recessive disease, as either homozygous or compound heterozygous with a second variant (PMID: 33202836). Given the available evidence, this variant is classified as Pathogenic.

Labcorp Genetics (formerly Invitae), Labcorp
Classification: Pathogenic for Glycogen storage disease, type II. Last evaluated: 2025-08-05. Review status: criteria provided, single submitter. Criteria: Invitae Variant Classification Sherloc (09022015). Collection method: clinical testing. Allele origin: germline.
Comment: This sequence change creates a premature translational stop signal (p.Ser254Argfs*14) in the GAA gene. It is expected to result in an absent or disrupted protein product. Loss-of-function variants in GAA are known to be pathogenic (PMID: 18425781, 22252923). This variant is not present in population databases (gnomAD no frequency). This premature translational stop signal has been observed in individual(s) with Pompe disease (PMID: 31342611). ClinVar contains an entry for this variant (Variation ID: 837937). For these reasons, this variant has been classified as Pathogenic.

Women's Health and Genetics/Laboratory Corporation of America, LabCorp
Classification: Pathogenic for Glycogen storage disease, type II. Last evaluated: 2025-06-17. Review status: criteria provided, single submitter. Criteria: LabCorp Variant Classification Summary - May 2015. Collection method: clinical testing. Allele origin: germline.
Comment: Variant summary: GAA c.759delC (p.Ser254ArgfsX14) results in a premature termination codon, predicted to cause a truncation of the encoded protein or absence of the protein due to nonsense mediated decay, which are commonly known mechanisms for disease. The variant was absent in 251144 control chromosomes. c.759delC has been observed in individual(s) affected with Glycogen storage disease, type II (example: Ficicioglu_2020). The following publication has been ascertained in the context of this evaluation (PMID: 33202836). ClinVar contains an entry for this variant (Variation ID: 837937). Based on the evidence outlined above, the variant was classified as pathogenic.

Revvity Omics, Revvity
Classification: Pathogenic. Last evaluated: 2019-12-21. Review status: criteria provided, single submitter. Criteria: ACMG Guidelines, 2015. Collection method: clinical testing. Allele origin: germline.

Literature cited by the submitters: PubMed 33202836 (cited by 3 submitters); PubMed 18425781 (cited by Labcorp Genetics (formerly Invitae), Labcorp); PubMed 22252923 (cited by Labcorp Genetics (formerly Invitae), Labcorp); PubMed 31342611 (cited by Labcorp Genetics (formerly Invitae), Labcorp).

NM_000152.5(GAA):c.759del (p.Ser254fs)

Gene: GAA (alpha glucosidase; plus strand). Cytogenetic location: 17q25.3.
Variant type: Deletion.
Coding change: c.759del on transcript NM_000152.5 (MANE Select); coding-DNA position 759, one base deleted (C; older notation c.759delC).
Protein change: p.Ser254fs; shifts the reading frame from serine 254.
Molecular consequence: frameshift variant.
Genome position (GRCh38, 1-based): chr17:80,107,623, C deleted; the last of 3 consecutive C bases (chr17:80,107,621-80,107,623); deleting any one gives the same sequence. VCF-style (leftmost placement, unchanged base first): chr17-80107620-GC-G. GRCh37 (hg19) VCF-style: chr17-78081419-GC-G.
Other names: c.759del, p.Ser254fs (NM_001079803.3, NM_001079804.3); c.759delC (NM_000152.5, NM_000152.4); short protein forms S254fs.
Identifiers: ClinVar variation 837937 (VCV000837937.16), dbSNP rs2039117815, ClinGen allele CA916082438.
Genomic context (GRCh38, chr17:80,107,620, plus strand): 5'-GAACACGACGGTGGCGCCCCTGTTCTTTGCGGACCAGTTCCTTCAGCTGTCCACCTCGCT[GC>G]CCTCGCAGTATATCACAGGCCTCGCCGAGCACCTCAGTCCCCTGATGCTCAGCACCAGCT-3'